The following is an entry in ClinVar:

ClinVar aggregate classification (germline): Uncertain significance (1 of 4 stars; one submission).

Conditions:
Hereditary cancer-predisposing syndrome. Also called: Tumor predisposition; Hereditary neoplastic syndrome; Hereditary Cancer Syndrome; Neoplastic Syndromes, Hereditary. Identifiers: Orphanet 140162, MedGen C0027672, MeSH D009386, MONDO:0015356.

gnomAD v4.1: 1 of 1,612,572 alleles (0.000062%); highest among the groups gnomAD compares: Non-Finnish European, 0.000085%; no homozygotes.

Submission:

Ambry Genetics
Classification: Uncertain significance for Hereditary cancer-predisposing syndrome. Last evaluated: 2025-05-14. Review status: criteria provided, single submitter. Criteria: Ambry Variant Classification Scheme 2023. Collection method: clinical testing. Allele origin: germline.
Comment: The p.S68R variant (also known as c.204C>G), located in coding exon 3 of the SDHD gene, results from a C to G substitution at nucleotide position 204. The serine at codon 68 is replaced by arginine, an amino acid with dissimilar properties. This amino acid position is not well conserved in available vertebrate species. In addition, the in silico prediction for this alteration is inconclusive. Based on the available evidence, the clinical significance of this variant remains unclear.

NM_003002.4(SDHD):c.204C>G (p.Ser68Arg)

Gene: SDHD (succinate dehydrogenase complex subunit D; plus strand). Cytogenetic location: 11q23.1.
Variant type: single nucleotide variant.
Coding change: c.204C>G on transcript NM_003002.4 (MANE Select); coding-DNA position 204, C replaced by G.
Protein change: p.Ser68Arg; replaces serine 68 with arginine.
Molecular consequence: missense variant. On other transcripts: non-coding transcript variant (1), intron variant (1).
Genome position (GRCh38, 1-based): chr11:112,088,901, C>G. VCF-style: chr11-112088901-C-G. GRCh37 (hg19) VCF-style: chr11-111959625-C-G.
Other names: c.87C>G, p.Ser29Arg (NM_001276504.2); c.204C>G, p.Ser68Arg (NM_001276506.2); c.169+928C>G (NM_001276503.2); short protein forms S29R, S68R.
Identifiers: ClinVar variation 3951428 (VCV003951428.1).